The following is an entry in ClinVar:

NM_025114.4(CEP290):c.3097A>T (p.Lys1033Ter)

Gene: CEP290 (centrosomal protein 290; minus strand). Cytogenetic location: 12q21.32.
Variant type: single nucleotide variant.
Coding change: c.3097A>T on transcript NM_025114.4 (MANE Select); coding-DNA position 3097, A replaced by T.
Protein change: p.Lys1033Ter; replaces lysine 1033 with a stop codon.
Molecular consequence: nonsense.
Genome position (GRCh38, 1-based): chr12:88,096,894, T>A on the plus strand (A>T on the coding strand, the complement: CEP290 is on the minus strand). VCF-style: chr12-88096894-T-A. GRCh37 (hg19) VCF-style: chr12-88490671-T-A.
Other names: short protein forms K1033*.
Identifiers: ClinVar variation 489050 (VCV000489050.3), dbSNP rs1555213161, ClinGen allele CA386006815.
Genomic context (GRCh38, chr12:88,096,894, plus strand): 5'-AATATTCATTATTAGATGTTAATCATTTTATATTATCAGAGTCATAAAACTTACCTAATT[T>A]AGTTTCCTGTTCCCAGGCTTGTTCAATAGTGTGAAGTTTTTCCTTGGTAATCTCCAGTTC-3'

ClinVar aggregate classification (germline): Pathogenic/Likely pathogenic. Review status: criteria provided, multiple submitters, no conflicts (2 of 4 stars). 2 submissions from 2 submitters: Pathogenic (1); Likely pathogenic (1). Last evaluated 2025-09-14.

Conditions:
CEP290-related ciliopathy. Also called: CEP290 ciliopathy. Identifiers: MedGen CN305601, MONDO:0100451.

Allele frequency attached by ClinVar (database versions not stated): TOPMed below 0.00001.

Submissions (2):

Myriad Genetics, Inc.
Classification: Pathogenic for CEP290-related ciliopathy. Last evaluated: 2025-09-14. Review status: criteria provided, single submitter. Criteria: Myriad Autosomal Dominant, Autosomal Recessive and X-Linked Classification Criteria (2023). Collection method: clinical testing. Allele origin: unknown.
Comment: NM_025114.3(CEP290):c.3097A>T(K1033*) is expected to be pathogenic in the context of CEP290-related disorders. This variant is predicted to lead to an abnormal or absent protein product due to the creation of a premature termination codon in CEP290, a gene where loss-of-function variants are known to be pathogenic. Please note: this variant was assessed in the context of healthy population screening.

GeneDx
Classification: Likely pathogenic. Last evaluated: 2017-08-16. Review status: criteria provided, single submitter. Criteria: GeneDx Variant Classification (06012015). Collection method: clinical testing. Allele origin: germline. Affected: yes.
Comment: The K1033X variant has been previously reported in the heterozygous state in an individual with Leber congenital amaurosis (LCA) who harbored two other variants in CEP290 (c.6787 A>G and c.1910+7 A>C); however, parental testing to determine phase was not clear (Wang et al., 2016). This variant is not observed in large population cohorts (Lek et al., 2016; 1000 Genomes Consortium et al., 2015; Exome Variant Server). The K1033X variant is predicted to cause loss of normal protein function either through protein truncation or nonsense-mediated mRNA decay. Therefore, this variant is likely pathogenic; however, the possibility that it is benign cannot be excluded.